The following is an entry in ClinVar:

NM_000256.3(MYBPC3):c.3226_3227insT (p.Asp1076fs)

Gene: MYBPC3 (myosin binding protein C3; minus strand). Cytogenetic location: 11p11.2.
Variant type: Insertion.
Coding change: c.3226_3227insT on transcript NM_000256.3 (MANE Select); coding-DNA positions 3226 to 3227, T inserted.
Protein change: p.Asp1076fs; shifts the reading frame from aspartic acid 1076.
Molecular consequence: frameshift variant.
Genome position: GRCh38 VCF-style: chr11-47333297-T-TA. GRCh37 (hg19) VCF-style: chr11-47354848-T-TA.
Other names: short protein forms D1076fs.
Identifiers: ClinVar variation 42694 (VCV000042694.35), dbSNP rs397516008, ClinGen allele CA013684.
Genomic context (GRCh38, chr11:47,333,297, plus strand): 5'-TCCGTGTTGCCGACATCCTGGGGTGGCTTCCACTCCAGAGCCACATTAAGACCCCAGGCG[T>TA]CAGTCACCCGGAGATCCTGGGGAGGACTTGGCTTGTCTGCGGGAGACAGACCCAGTTGGG-3'

ClinVar aggregate classification (germline): Pathogenic. Review status: criteria provided, multiple submitters, no conflicts (2 of 4 stars). 12 submissions from 12 submitters: Pathogenic (12). Last evaluated 2025-12-13.

Conditions:
Cardiovascular phenotype. Identifiers: MedGen CN230736.
Hypertrophic cardiomyopathy. Also called: HYPERTROPHIC MYOCARDIOPATHY. Identifiers: Orphanet 217569, MedGen C0007194, MeSH D002312, MONDO:0005045, HP:0001639.
Dilated and arrhythmogenic cardiomyopathy.
MYBPC3-related disorder. Also called: MYBPC3-related disorders; MYBPC3-related condition; MYBPC3-related disease.
Cardiomyopathy (CMYO). Also called: Cardiomyopathies. Identifiers: Orphanet 167848, MedGen C0878544, MONDO:0004994, HP:0001638. Inheritance: Various modes of inheritance.
Primary familial hypertrophic cardiomyopathy (HCM). Identifiers: Orphanet 99739, MedGen C0949658, MeSH D024741, MONDO:0024573. Inheritance: Various modes of inheritance.
Hypertrophic cardiomyopathy 4. Also called: Familial hypertrophic cardiomyopathy 4. Identifiers: MedGen C1861862, MONDO:0007268, OMIM 115197.

Allele frequency attached by ClinVar (database versions not stated): gnomAD 0.00001; gnomAD exomes below 0.00001.

Submissions 1 to 10 of 12:

Labcorp Genetics (formerly Invitae), Labcorp
Classification: Pathogenic for Hypertrophic cardiomyopathy. Last evaluated: 2025-12-13. Review status: criteria provided, single submitter. Criteria: Invitae Variant Classification Sherloc (09022015). Collection method: clinical testing. Allele origin: germline.
Comment: This sequence change creates a premature translational stop signal (p.Asp1076Valfs*6) in the MYBPC3 gene. It is expected to result in an absent or disrupted protein product. Loss-of-function variants in MYBPC3 are known to be pathogenic (PMID: 19574547). This variant is not present in population databases (gnomAD no frequency). This premature translational stop signal has been observed in individuals with cardiomyopathy (PMID: 20474083, 24510615, 25031304, 25611685, 27532257). ClinVar contains an entry for this variant (Variation ID: 42694). For these reasons, this variant has been classified as Pathogenic.

North West Genomic Laboratory Hub, Manchester University NHS Foundation Trust
Classification: Pathogenic for Hypertrophic cardiomyopathy; Dilated and arrhythmogenic cardiomyopathy. Last evaluated: 2024-12-09. Review status: criteria provided, single submitter. Criteria: ACGS Best Practice Guidelines for Variant Classification in Rare Disease 2020. Collection method: clinical testing. Allele origin: germline. Affected: yes.
Comment: PS4_Str PVS1_VStr

Ambry Genetics
Classification: Pathogenic for Cardiovascular phenotype. Last evaluated: 2024-11-21. Review status: criteria provided, single submitter. Criteria: Ambry Variant Classification Scheme 2023. Collection method: clinical testing. Allele origin: germline.
Comment: The c.3226_3227insT pathogenic mutation, located in coding exon 30 of the MYBPC3 gene, results from an insertion of one nucleotide at position 3226, causing a translational frameshift with a predicted alternate stop codon (p.D1076Vfs*6). This variant was reported in individuals or cohorts with features consistent with hypertrophic cardiomyopathy (Bos JM et al. Mayo Clin Proc. 2014;89:727-37; Walsh R et al. Genet. Med., 2017 02;19:192-203). In addition to the clinical data presented in the literature, this alteration is expected to result in loss of function by premature protein truncation or nonsense-mediated mRNA decay. As such, this alteration is interpreted as a disease-causing mutation.

Women's Health and Genetics/Laboratory Corporation of America, LabCorp
Classification: Pathogenic for Primary familial hypertrophic cardiomyopathy. Last evaluated: 2024-10-15. Review status: criteria provided, single submitter. Criteria: LabCorp Variant Classification Summary - May 2015. Collection method: clinical testing. Allele origin: germline.
Comment: Variant summary: MYBPC3 c.3226_3227insT (p.Asp1076ValfsX6) results in a premature termination codon, predicted to cause a truncation of the encoded protein or absence of the protein due to nonsense mediated decay, which are commonly known mechanisms for disease. The variant was absent in 210750 control chromosomes. c.3226_3227insT has been reported in the literature in at-least one individual affected with Hypertrophic Cardiomyopathy (example: OLeary_2019). These data indicate that the variant is very likely to be associated with disease. The following publications have been ascertained in the context of this evaluation (PMID: 20474083, 20851114, 30550750). ClinVar contains an entry for this variant (Variation ID: 42694). Based on the evidence outlined above, the variant was classified as pathogenic.

Clinical Genomics Laboratory, Washington University in St. Louis
Classification: Pathogenic for Hypertrophic cardiomyopathy 4. Last evaluated: 2024-01-27. Review status: criteria provided, single submitter. Criteria: ACMG Guidelines, 2015. Collection method: clinical testing. Allele origin: germline. Affected: yes.
Comment: The MYBPC3 c.3226_3227insT (p.Asp1076Valfs*6) variant has been reported in several individuals with cardiomyopathy (Zimmerman RS et al., PMID: 20474083; Kapplinger JD et al., PMID: 24510615; Helms AS et al., PMID: 25031304; Alfares AA et al., PMID: 25611685; Walsh R et al., PMID: 27532257). This variant has been reported in the ClinVar database as pathogenic by multiple submitters (ClinVar Variation ID: 42694). This variant is only observed on 6/1,590,162 alleles in the general population (gnomAD v4.0.0), indicating it is not a common variant. This variant causes a frameshift by inserting 1 nucleotide, leading to a premature termination codon, which is predicted to lead to nonsense mediated decay. Loss-of-function variants in MYBPC3 are known to be pathogenic (Marston S et al., PMID: 19574547). Based on available information, and based on ACMG/AMP guidelines for variant interpretation (Richards S et al., PMID: 25741868), the MYBPC3 c.3226_3227insT (p.Asp1076Valfs*6) variant is classified as pathogenic.

All of Us Research Program, National Institutes of Health
Classification: Pathogenic for Hypertrophic cardiomyopathy. Last evaluated: 2023-06-26. Review status: criteria provided, single submitter. Criteria: ACMG Guidelines, 2015. Collection method: clinical testing. Allele origin: germline. Inheritance: Autosomal dominant inheritance. Observed: 1 variant allele, 1 heterozygote.
Comment: This variant inserts 1 nucleotide in exon 30 of the MYBPC3 gene, creating a frameshift and premature translation stop signal. This variant is expected to result in an absent or non-functional protein product. An experimental functional study has shown that this variant may cause mislocalization of the MYBPC3 protein within the sarcomere and decreased incorporation into myofilament (DOI:10.1161/circ.130.suppl_2.20311). This variant has been reported in over twenty individuals affected with hypertrophic cardiomyopathy (PMID: 24510615, 25031304, 25611685, 27532257, 31006259, 32841044, 33495596, 33495597). It has also been reported in individuals affected with dilated cardiomyopathy (PMID: 20474083). This variant has been identified in 1/31354 chromosomes in the general population by the Genome Aggregation Database (gnomAD). Loss of MYBPC3 function is a known mechanism of disease. Based on the available evidence, this variant is classified as Pathogenic.

This study involves interpretation of variants in research participants for the purpose of population health screening. Participant phenotype was not available at the time of variant classification. Additional details can be found in publication PMID: 35346344, PMCID: PMC8962531

Color Diagnostics, LLC DBA Color Health
Classification: Pathogenic for Cardiomyopathy. Last evaluated: 2023-05-04. Review status: criteria provided, single submitter. Criteria: ACMG Guidelines, 2015. Collection method: clinical testing. Allele origin: germline.
Comment: This variant inserts 1 nucleotide in exon 30 of the MYBPC3 gene, creating a frameshift and premature translation stop signal. This variant is expected to result in an absent or non-functional protein product. An experimental functional study has shown that this variant may cause mislocalization of the MYBPC3 protein within the sarcomere and decreased incorporation into myofilament (DOI:10.1161/circ.130.suppl_2.20311). This variant has been reported in over twenty individuals affected with hypertrophic cardiomyopathy (PMID: 24510615, 25031304, 25611685, 27532257, 31006259, 32841044, 33495596, 33495597). It has also been reported in individuals affected with dilated cardiomyopathy (PMID: 20474083). This variant has been identified in 1/31354 chromosomes in the general population by the Genome Aggregation Database (gnomAD). Loss of MYBPC3 function is a known mechanism of disease. Based on the available evidence, this variant is classified as Pathogenic.

Blueprint Genetics
Classification: Pathogenic for MYBPC3-related disorders. Last evaluated: 2022-11-10. Review status: criteria provided, single submitter. Criteria: ACMG Guidelines, 2015. Collection method: clinical testing. Allele origin: germline. Affected: yes. Observed: 5 variant alleles.

CHEO Genetics Diagnostic Laboratory, Children's Hospital of Eastern Ontario
Classification: Pathogenic for Cardiomyopathy. Last evaluated: 2022-06-30. Review status: criteria provided, single submitter. Criteria: ACMG Guidelines, 2015. Collection method: clinical testing. Allele origin: germline.

GeneDx
Classification: Pathogenic. Last evaluated: 2021-12-22. Review status: criteria provided, single submitter. Criteria: GeneDx Variant Classification Process June 2021. Collection method: clinical testing. Allele origin: germline. Affected: yes.
Comment: Not observed at a significant frequency in large population cohorts (Lek et al., 2016); Frameshift variant predicted to result in protein truncation or nonsense mediated decay in a gene for which loss-of-function is a known mechanism of disease; Reported in ClinVar as a pathogenic variant (ClinVar Variant ID# 42694; Landrum et al., 2016); This variant is associated with the following publications: (PMID: 28152038, 24510615, 24793961, 25611685, 26688388, 25031304, 20800588, 24721642, 27532257, 20474083, 31006259, 30550750, 33087929)